The following is an entry in ClinVar:

NM_145068.4(TRPV3):c.*1950C>T

Genes: SPATA22 (spermatogenesis associated 22; minus strand), TRPV3 (transient receptor potential cation channel subfamily V member 3; minus strand). Cytogenetic location: 17p13.2.
Variant type: single nucleotide variant.
Coding change: c.*1950C>T on transcript NM_145068.4 (MANE Select); 1950 bases downstream of the stop codon, C replaced by T.
Molecular consequence: 3 prime UTR variant. On other transcripts: intron variant (2).
Genome position (GRCh38, 1-based): chr17:3,511,967, G>A on the plus strand (C>T on the coding strand, the complement: TRPV3 is on the minus strand). VCF-style: chr17-3511967-G-A. GRCh37 (hg19) VCF-style: chr17-3415261-G-A.
Other names: c.*1950C>T (NM_001258205.2); c.-74+1445C>T (NM_001321336.2, NM_001321337.2).
Identifiers: ClinVar variation 890936 (VCV000890936.6), dbSNP rs148037085, ClinGen allele CA286987742.
Genomic context (GRCh38, chr17:3,511,967, plus strand): 5'-GCTTGGCATCATGAATCCAAACCACTTCCTTTCAGACCAAGATGTCTGTTCAGGCTTAAT[G>A]CGGGTAGCTAACTCCAGATGTGGAATGCTGATTTGTACAATCTCCAGGCTAAAAGGGACC-3'

ClinVar aggregate classification (germline): Benign (1 of 4 stars; one submission).

Conditions:
Isolated focal non-epidermolytic palmoplantar keratoderma. Also called: Palmoplantar keratoderma, nonepidermolytic, focal 2. Identifiers: Orphanet 448264, MedGen C4225339, MONDO:0014622, OMIM 616400.

Allele frequency attached by ClinVar (database versions not stated): 1000 Genomes Project 30x 0.00547; gnomAD 0.00613 and 0.00569; TOPMed 0.00632; 1000 Genomes Project 0.00499.

Submission:

Illumina Laboratory Services, Illumina
Classification: Benign for Isolated focal non-epidermolytic palmoplantar keratoderma. Last evaluated: 2018-01-13. Review status: criteria provided, single submitter. Criteria: ICSL Variant Classification Criteria 13 December 2019. Collection method: clinical testing. Allele origin: germline.
Comment: This variant was observed in the ICSL laboratory as part of a predisposition screen in an ostensibly healthy population. It had not been previously curated by ICSL or reported in the Human Gene Mutation Database (HGMD: prior to June 1st, 2018), and was therefore a candidate for classification through an automated scoring system. Utilizing variant allele frequency, disease prevalence and penetrance estimates, and inheritance mode, an automated score was calculated to assess if this variant is too frequent to cause the disease. Based on the score and internal cut-off values, a variant classified as benign is not then subjected to further curation. The score for this variant resulted in a classification of benign for this disease.